The following is an entry in ClinVar:

NM_000059.4(BRCA2):c.1063G>T (p.Val355Leu)

Gene: BRCA2 (BRCA2 DNA repair associated; plus strand). Cytogenetic location: 13q13.1.
Variant type: single nucleotide variant.
Coding change: c.1063G>T on transcript NM_000059.4 (MANE Select); coding-DNA position 1063, G replaced by T.
Protein change: p.Val355Leu; replaces valine 355 with leucine.
Molecular consequence: missense variant.
Genome position (GRCh38, 1-based): chr13:32,332,541, G>T. VCF-style: chr13-32332541-G-T. GRCh37 (hg19) VCF-style: chr13-32906678-G-T.
Other names: short protein forms V355L.
Identifiers: ClinVar variation 855970 (VCV000855970.11), dbSNP rs2072403612, ClinGen allele CA387761355.
Genomic context (GRCh38, chr13:32,332,541, plus strand): 5'-GAAGCAAACGCTGATGAATGTGAAAAATCTAAAAACCAAGTGAAAGAAAAATACTCATTT[G>T]TATCTGAAGTGGAACCAAATGATACTGATCCATTAGATTCAAATGTAGCAAATCAGAAGC-3'
Protein context (NP_000050.3, residues 345-365): KNQVKEKYSF[Val355Leu]SEVEPNDTDP

ClinVar aggregate classification (germline): Conflicting classifications of pathogenicity. Review status: criteria provided, conflicting classifications (1 of 4 stars). 2 submissions from 2 submitters: Uncertain significance (1); Likely benign (1). Last evaluated 2023-03-23.

Conditions:
Hereditary cancer-predisposing syndrome. Also called: Tumor predisposition; Hereditary neoplastic syndrome; Neoplastic Syndromes, Hereditary; Hereditary Cancer Syndrome. Identifiers: Orphanet 140162, MedGen C0027672, MeSH D009386, MONDO:0015356.
Hereditary breast ovarian cancer syndrome. Also called: Breast and ovarian cancer; BRCA1- and BRCA2-Associated Hereditary Breast and Ovarian Cancer; Hereditary breast and ovarian cancer; Hereditary breast and ovarian cancer syndrome (HBOC); Hereditary breast and/or ovarian cancer syndrome; Hereditary breast and ovarian cancer syndrome. Identifiers: Orphanet 145, MedGen C0677776, MeSH D061325, MONDO:0003582. Disease mechanism: loss of function.

Submissions (2):

University of Washington Department of Laboratory Medicine, University of Washington
Classification: Likely benign for Hereditary cancer-predisposing syndrome. Last evaluated: 2023-03-23. Review status: criteria provided, single submitter. Criteria: Dines et al. (Genet Med. 2020). Collection method: curation. Allele origin: germline.
Comment: Missense variant in a coldspot region where missense variants are very unlikely to be pathogenic (PMID:31911673).

BRCA2 exon 10 coldspot. Reclassification based on statistical prior probability.

Labcorp Genetics (formerly Invitae), Labcorp
Classification: Uncertain significance for Hereditary breast ovarian cancer syndrome. Last evaluated: 2019-05-15. Review status: criteria provided, single submitter. Criteria: Invitae Variant Classification Sherloc (09022015). Collection method: clinical testing. Allele origin: germline.
Comment: In summary, the available evidence is currently insufficient to determine the role of this variant in disease. Therefore, it has been classified as a Variant of Uncertain Significance. Algorithms developed to predict the effect of missense changes on protein structure and function output the following: SIFT: "Tolerated"; PolyPhen-2: "Benign"; Align-GVGD: "Class C0". The leucine amino acid residue is found in multiple mammalian species, suggesting that this missense change does not adversely affect protein function. These predictions have not been confirmed by published functional studies and their clinical significance is uncertain. This variant has not been reported in the literature in individuals with BRCA2-related conditions. This variant is not present in population databases (ExAC no frequency). This sequence change replaces valine with leucine at codon 355 of the BRCA2 protein (p.Val355Leu). The valine residue is weakly conserved and there is a small physicochemical difference between valine and leucine.